The following is an entry in ClinVar:

NM_001354483.2(CSGALNACT1):c.1419C>G (p.Phe473Leu)

Gene: CSGALNACT1 (chondroitin sulfate N-acetylgalactosaminyltransferase 1; minus strand). Cytogenetic location: 8p21.3.
Variant type: single nucleotide variant.
Coding change: c.1419C>G on transcript NM_001354483.2 (MANE Select); coding-DNA position 1419, C replaced by G.
Protein change: p.Phe473Leu; replaces phenylalanine 473 with leucine.
Molecular consequence: missense variant. On other transcripts: non-coding transcript variant (7).
Genome position (GRCh38, 1-based): chr8:19,405,960, G>C on the plus strand (C>G on the coding strand, the complement: CSGALNACT1 is on the minus strand). VCF-style: chr8-19405960-G-C. GRCh37 (hg19) VCF-style: chr8-19263471-G-C.
Other names: c.1419C>G, p.Phe473Leu (NM_001130518.2, NM_001354475.2, NM_001354476.2 and 18 more transcripts); c.1419C>G (NM_001130518.1); short protein forms F473L.
Identifiers: ClinVar variation 1419719 (VCV001419719.6), dbSNP rs201889650, ClinGen allele CA4653763.

ClinVar aggregate classification (germline): Uncertain significance. Review status: criteria provided, multiple submitters, no conflicts (2 of 4 stars). 3 submissions from 3 submitters: Uncertain significance (3). Last evaluated 2025-11-17.

Conditions:
CSGALNACT1-related disorder. Also called: CSGALNACT1-related condition.
Inborn genetic diseases. Identifiers: MedGen C0950123, MeSH D030342.

Allele frequency attached by ClinVar (database versions not stated): gnomAD exomes 0.00001 and 0.00003; ExAC 0.00002; gnomAD 0.00023 and 0.00024; 1000 Genomes Project 30x 0.00031; 1000 Genomes Project 0.00040; TOPMed 0.00041.
gnomAD v4.1: 56 of 1,614,212 alleles (0.0035%); highest among the groups gnomAD compares: Admixed American, 0.048%; no homozygotes.

Submissions (3):

Labcorp Genetics (formerly Invitae), Labcorp
Classification: Uncertain significance. Last evaluated: 2025-11-17. Review status: criteria provided, single submitter. Criteria: Invitae Variant Classification Sherloc (09022015). Collection method: clinical testing. Allele origin: germline.
Comment: This sequence change replaces phenylalanine, which is neutral and non-polar, with leucine, which is neutral and non-polar, at codon 473 of the CSGALNACT1 protein (p.Phe473Leu). This variant is present in population databases (rs201889650, gnomAD 0.02%). This variant has not been reported in the literature in individuals affected with CSGALNACT1-related conditions. ClinVar contains an entry for this variant (Variation ID: 1419719). Invitae Evidence Modeling of protein sequence and biophysical properties (such as structural, functional, and spatial information, amino acid conservation, physicochemical variation, residue mobility, and thermodynamic stability) indicates that this missense variant is not expected to disrupt CSGALNACT1 protein function with a negative predictive value of 80%. In summary, the available evidence is currently insufficient to determine the role of this variant in disease. Therefore, it has been classified as a Variant of Uncertain Significance.

Ambry Genetics
Classification: Uncertain significance for Inborn genetic diseases. Last evaluated: 2025-08-05. Review status: criteria provided, single submitter. Criteria: Ambry Variant Classification Scheme 2023. Collection method: clinical testing. Allele origin: germline.

PreventionGenetics, part of Exact Sciences
Classification: Uncertain significance for CSGALNACT1-related condition. Last evaluated: 2025-04-03. Review status: criteria provided, single submitter. Criteria: ACMG Guidelines, 2015. Collection method: clinical testing. Allele origin: germline.
Comment: The CSGALNACT1 c.1419C>G variant is predicted to result in the amino acid substitution p.Phe473Leu. To our knowledge, this variant has not been reported in the literature. This variant is reported in 0.020% of alleles in individuals of African descent in gnomAD. At this time, the clinical significance of this variant is uncertain due to the absence of conclusive functional and genetic evidence.